The following is an entry in ClinVar:

ClinVar aggregate classification (germline): Likely benign. Review status: criteria provided, multiple submitters, no conflicts (2 of 4 stars). 2 submissions from 2 submitters: Likely benign (2). Last evaluated 2026-06-01.

Allele frequency attached by ClinVar (database versions not stated): gnomAD 0.00005; 1000 Genomes Project 30x 0.00021; 1000 Genomes Project 0.00026; TOPMed 0.00038; ExAC 0.00097; gnomAD exomes 0.00121.
gnomAD v4.1: 260 of 1,209,744 alleles (0.021%); highest among the groups gnomAD compares: Admixed American, 0.56%; 2 homozygotes.

Submissions (2):

CeGaT Center for Human Genetics Tuebingen
Classification: Likely benign. Last evaluated: 2026-06-01. Review status: criteria provided, single submitter. Criteria: CeGaT Center For Human Genetics Tuebingen Variant Classification Criteria Version 2. Collection method: clinical testing. Allele origin: germline. Affected: yes. Observed: 2 variant alleles.
Comment: AFF2: BP4, BS2

Labcorp Genetics (formerly Invitae), Labcorp
Classification: Likely benign. Last evaluated: 2018-02-08. Review status: criteria provided, single submitter. Criteria: Invitae Variant Classification Sherloc (09022015). Collection method: clinical testing. Allele origin: germline.

NM_002025.4(AFF2):c.1697T>C (p.Met566Thr)

Gene: AFF2 (ALF transcription elongation factor 2; plus strand). Cytogenetic location: Xq28.
Variant type: single nucleotide variant.
Coding change: c.1697T>C on transcript NM_002025.4 (MANE Select); coding-DNA position 1697, T replaced by C.
Protein change: p.Met566Thr; replaces methionine 566 with threonine.
Molecular consequence: missense variant.
Genome position (GRCh38, 1-based): chrX:148,955,742, T>C. VCF-style: chrX-148955742-T-C. GRCh37 (hg19) VCF-style: chrX-148037272-T-C.
Other names: c.1598T>C, p.Met533Thr (NM_001169122.2); c.1667T>C, p.Met556Thr (NM_001169123.2); c.1592T>C, p.Met531Thr (NM_001169124.2); c.1580T>C, p.Met527Thr (NM_001169125.2); c.620T>C, p.Met207Thr (NM_001170628.1); short protein forms M556T, M531T, M533T, M207T, M527T, M566T.
Identifiers: ClinVar variation 702723 (VCV000702723.7), dbSNP rs183626057, ClinGen allele CA10537052.
Genomic context (GRCh38, chrX:148,955,742, plus strand): 5'-GTGGCCAAAATGAAACACCCATGGAGACTATTTCTCTGCCTCCTCCAATCATCCAACCAA[T>C]GGAAGTCCAGATGAAAGTGAAGACGAATGCCAGTCAGGTCCCAGCTGAACCCAAAGAAAG-3'
Protein context (NP_002016.2, residues 556-576): ISLPPPIIQP[Met566Thr]EVQMKVKTNA